The following is an entry in ClinVar:

ClinVar aggregate classification (germline): Uncertain significance. Review status: criteria provided, multiple submitters, no conflicts (2 of 4 stars). 2 submissions from 2 submitters: Uncertain significance (2). Last evaluated 2024-12-09.

Conditions:
Inborn genetic diseases. Identifiers: MedGen C0950123, MeSH D030342.
Hereditary spastic paraplegia 75. Also called: Spastic paraplegia 75, autosomal recessive. Identifiers: Orphanet 459056, MedGen C4225250, MONDO:0014729, OMIM 616680.

Allele frequency attached by ClinVar (database versions not stated): ExAC below 0.00001; gnomAD exomes 0.00001; gnomAD 0.00003; TOPMed 0.00003.
gnomAD v4.1: 51 of 1,507,108 alleles (0.0034%); highest among the groups gnomAD compares: Non-Finnish European, 0.0042%; no homozygotes.

Submissions (2):

Ambry Genetics
Classification: Uncertain significance for Inborn genetic diseases. Last evaluated: 2024-12-09. Review status: criteria provided, single submitter. Criteria: Ambry Variant Classification Scheme 2023. Collection method: clinical testing. Allele origin: germline.

Labcorp Genetics (formerly Invitae), Labcorp
Classification: Uncertain significance for Hereditary spastic paraplegia 75. Last evaluated: 2018-07-09. Review status: criteria provided, single submitter. Criteria: Invitae Variant Classification Sherloc (09022015). Collection method: clinical testing. Allele origin: germline.
Comment: This sequence change replaces glycine with serine at codon 230 of the MAG protein (p.Gly230Ser). The glycine residue is highly conserved and there is a small physicochemical difference between glycine and serine. The frequency data for this variant in the population databases is considered unreliable, as metrics indicate poor data quality at this position in the ExAC database. This variant has not been reported in the literature in individuals with MAG-related disease. Algorithms developed to predict the effect of missense changes on protein structure and function are either unavailable or do not agree on the potential impact of this missense change (SIFT: "Deleterious"; PolyPhen-2: "Benign"; Align-GVGD: "Class C0"). In summary, the available evidence is currently insufficient to determine the role of this variant in disease. Therefore, it has been classified as a Variant of Uncertain Significance.

NM_002361.4(MAG):c.688G>A (p.Gly230Ser)

Gene: MAG (myelin associated glycoprotein; plus strand). Cytogenetic location: 19q13.12.
Variant type: single nucleotide variant.
Coding change: c.688G>A on transcript NM_002361.4 (MANE Select); coding-DNA position 688, G replaced by A.
Protein change: p.Gly230Ser; replaces glycine 230 with serine.
Molecular consequence: missense variant.
Genome position (GRCh38, 1-based): chr19:35,299,826, G>A. VCF-style: chr19-35299826-G-A. GRCh37 (hg19) VCF-style: chr19-35790729-G-A.
Other names: c.613G>A, p.Gly205Ser (NM_001199216.2); c.688G>A, p.Gly230Ser (NM_080600.3); short protein forms G205S, G230S.
Identifiers: ClinVar variation 641864 (VCV000641864.4), dbSNP rs765954040, ClinGen allele CA9376069.